The following is an entry in ClinVar:

NM_001367823.1(ARHGEF18):c.2708C>T (p.Ser903Phe)

Gene: ARHGEF18 (Rho/Rac guanine nucleotide exchange factor 18; plus strand). Cytogenetic location: 19p13.2.
Variant type: single nucleotide variant.
Coding change: c.2708C>T on transcript NM_001367823.1 (MANE Select); coding-DNA position 2708, C replaced by T.
Protein change: p.Ser903Phe; replaces serine 903 with phenylalanine.
Molecular consequence: missense variant.
Genome position (GRCh38, 1-based): chr19:7,463,890, C>T. VCF-style: chr19-7463890-C-T. GRCh37 (hg19) VCF-style: chr19-7528776-C-T.
Other names: c.1982C>T, p.Ser661Phe (NM_001130955.2); c.1670C>T, p.Ser557Phe (NM_001367824.1, NM_015318.4); short protein forms S557F, S661F, S903F.
Identifiers: ClinVar variation 1378906 (VCV001378906.5), dbSNP rs1025544538, ClinGen allele CA304854580.

ClinVar aggregate classification (germline): Uncertain significance (1 of 4 stars; one submission).

Allele frequency attached by ClinVar (database versions not stated): gnomAD exomes below 0.00001; gnomAD 0.00003; TOPMed 0.00003.
gnomAD v4.1: 7 of 1,601,036 alleles (0.00044%); highest among the groups gnomAD compares: African/African-American, 0.0094%; no homozygotes.

Submission:

Labcorp Genetics (formerly Invitae), Labcorp
Classification: Uncertain significance. Last evaluated: 2022-06-13. Review status: criteria provided, single submitter. Criteria: Invitae Variant Classification Sherloc (09022015). Collection method: clinical testing. Allele origin: germline.
Comment: This sequence change replaces serine, which is neutral and polar, with phenylalanine, which is neutral and non-polar, at codon 715 of the ARHGEF18 protein (p.Ser715Phe). The frequency data for this variant in the population databases is considered unreliable, as metrics indicate poor data quality at this position in the gnomAD database. This variant has not been reported in the literature in individuals affected with ARHGEF18-related conditions. Algorithms developed to predict the effect of missense changes on protein structure and function (SIFT, PolyPhen-2, Align-GVGD) all suggest that this variant is likely to be tolerated. In summary, the available evidence is currently insufficient to determine the role of this variant in disease. Therefore, it has been classified as a Variant of Uncertain Significance.